The following is an entry in ClinVar:

ClinVar aggregate classification (germline): Uncertain significance. Review status: criteria provided, multiple submitters, no conflicts (2 of 4 stars). 2 submissions from 2 submitters: Uncertain significance (2). Last evaluated 2025-03-29.

Conditions:
Inborn genetic diseases. Identifiers: MedGen C0950123, MeSH D030342.
Baller-Gerold syndrome (BGS). Also called: CRANIOSYNOSTOSIS WITH RADIAL DEFECTS. Identifiers: Orphanet 1225, MedGen C0265308, MONDO:0009039, OMIM 218600.

Allele frequency attached by ClinVar (database versions not stated): TOPMed 0.00001.
gnomAD v4.1: 6 of 1,609,464 alleles (0.00037%); highest among the groups gnomAD compares: South Asian, 0.0022%; no homozygotes.

Submissions (2):

Ambry Genetics
Classification: Uncertain significance for Inborn genetic diseases. Last evaluated: 2025-03-29. Review status: criteria provided, single submitter. Criteria: Ambry Variant Classification Scheme 2023. Collection method: clinical testing. Allele origin: germline.
Comment: The p.P237S variant (also known as c.709C>T), located in coding exon 5 of the RECQL4 gene, results from a C to T substitution at nucleotide position 709. The proline at codon 237 is replaced by serine, an amino acid with similar properties. This amino acid position is conserved. In addition, this alteration is predicted to be tolerated by in silico analysis. Based on the available evidence, the clinical significance of this variant remains unclear.

Labcorp Genetics (formerly Invitae), Labcorp
Classification: Uncertain significance for Baller-Gerold syndrome. Last evaluated: 2025-01-22. Review status: criteria provided, single submitter. Criteria: Invitae Variant Classification Sherloc (09022015). Collection method: clinical testing. Allele origin: germline.
Comment: This sequence change replaces proline, which is neutral and non-polar, with serine, which is neutral and polar, at codon 237 of the RECQL4 protein (p.Pro237Ser). This variant is present in population databases (rs370391716, gnomAD 0.0009%). This variant has not been reported in the literature in individuals affected with RECQL4-related conditions. ClinVar contains an entry for this variant (Variation ID: 847687). Experimental studies and prediction algorithms are not available or were not evaluated, and the functional significance of this variant is currently unknown. In summary, the available evidence is currently insufficient to determine the role of this variant in disease. Therefore, it has been classified as a Variant of Uncertain Significance.

NM_004260.4(RECQL4):c.709C>T (p.Pro237Ser)

Gene: RECQL4 (RecQ like helicase 4; minus strand). Cytogenetic location: 8q24.3.
Variant type: single nucleotide variant.
Coding change: c.709C>T on transcript NM_004260.4 (MANE Select); coding-DNA position 709, C replaced by T.
Protein change: p.Pro237Ser; replaces proline 237 with serine.
Molecular consequence: missense variant.
Genome position (GRCh38, 1-based): chr8:144,516,410, G>A on the plus strand (C>T on the coding strand, the complement: RECQL4 is on the minus strand). VCF-style: chr8-144516410-G-A. GRCh37 (hg19) VCF-style: chr8-145741794-G-A.
Other names: short protein forms P237S.
Identifiers: ClinVar variation 847687 (VCV000847687.8), dbSNP rs370391716, ClinGen allele CA4949200.